The following is an entry in ClinVar:

ClinVar aggregate classification (germline): Uncertain significance. Review status: criteria provided, multiple submitters, no conflicts (2 of 4 stars). 2 submissions from 2 submitters: Uncertain significance (2). Last evaluated 2025-05-27.

Submissions (2):

Labcorp Genetics (formerly Invitae), Labcorp
Classification: Uncertain significance. Last evaluated: 2025-05-27. Review status: criteria provided, single submitter. Criteria: Invitae Variant Classification Sherloc (09022015). Collection method: clinical testing. Allele origin: germline.
Comment: This sequence change creates a premature translational stop signal (p.Val9Alafs*22) in the ABRAXAS1 gene. It is expected to result in an absent or disrupted protein product. However, the current clinical and genetic evidence is not sufficient to establish whether loss-of-function variants in ABRAXAS1 cause disease. This variant is not present in population databases (gnomAD no frequency). This variant has not been reported in the literature in individuals affected with ABRAXAS1-related conditions. ClinVar contains an entry for this variant (Variation ID: 496532). In summary, the available evidence is currently insufficient to determine the role of this variant in disease. Therefore, it has been classified as a Variant of Uncertain Significance.

Women's Health and Genetics/Laboratory Corporation of America, LabCorp
Classification: Uncertain significance. Last evaluated: 2024-12-31. Review status: criteria provided, single submitter. Criteria: LabCorp Variant Classification Summary - May 2015. Collection method: clinical testing. Allele origin: germline.
Comment: Variant summary: FAM175A (also known as ABRAXAS1) c.26_47delTGCTCTCGGGCTTTGTGCTCGG (p.Val9AlafsX22) results in a premature termination codon, predicted to cause a truncation of the encoded protein or absence of the protein due to nonsense mediated decay, however current evidence is not sufficient to establish loss of function as a mechanism for disease. The variant was absent in 231374 control chromosomes. The available data on variant occurrences in the general population are insufficient to allow any conclusion about variant significance. To our knowledge, no occurrence of c.26_47delTGCTCTCGGGCTTTGTGCTCGG in individuals affected with FAM175A-related conditions and no experimental evidence demonstrating its impact on protein function have been reported. ClinVar contains an entry for this variant (Variation ID: 496532). Based on the evidence outlined above, the variant was classified as uncertain significance.

NM_139076.3(ABRAXAS1):c.26_47del (p.Val9fs)

Genes: ABRAXAS1 (abraxas 1, BRCA1 A complex subunit; minus strand), LOC129992784 (ATAC-STARR-seq lymphoblastoid silent region 15542; plus strand). Cytogenetic location: 4q21.23.
Variant type: Deletion.
Coding change: c.26_47del on transcript NM_139076.3 (MANE Select); coding-DNA positions 26 to 47, 22 bases deleted (TGCTCTCGGGCTTTGTGCTCGG).
Protein change: p.Val9fs; shifts the reading frame from valine 9.
Molecular consequence: frameshift variant. On other transcripts: 5 prime UTR variant (1).
Genome position (GRCh38, 1-based): chr4:83,485,026-83,485,047, CCGAGCACAAAGCCCGAGAGCA deleted on the plus strand (TGCTCTCGGGCTTTGTGCTCGG on the coding strand, the reverse complement: ABRAXAS1 is on the minus strand); deleting any 22 consecutive bases within chr4:83,485,026-83,485,050 gives the same sequence; the c. name uses the placement nearest the transcript's 3' end. VCF-style (leftmost placement, unchanged base first): chr4-83485025-GCCGAGCACAAAGCCCGAGAGCA-G. GRCh37 (hg19) VCF-style: chr4-84406178-GCCGAGCACAAAGCCCGAGAGCA-G.
Other names: c.-235_-214del (NM_001345962.2); c.26_47delTGCTCTCGGGCTTTGTGCTCGG (NM_139076.3); short protein forms V9fs.
Identifiers: ClinVar variation 496532 (VCV000496532.9), dbSNP rs1553938364, ClinGen allele CA658683379.
Genomic context (GRCh38, chr4:83,485,025, plus strand): 5'-CCGCCCCGTCCCTCGGCTCACCGTGTCCGAGTCCGTGTTGAGGTGCTGGAAAGCGAGTGC[GCCGAGCACAAAGCCCGAGAGCA>G]CCGCCGACGTACTCTCCCCCTCCATGCTACCGCCGCCTCAGGCTACACAAGAGGACGAGG-3'